The following is an entry in ClinVar:

NM_000360.4(TH):c.661C>T (p.Arg221Cys)

Gene: TH (tyrosine hydroxylase; minus strand). Cytogenetic location: 11p15.5.
Variant type: single nucleotide variant.
Coding change: c.661C>T on transcript NM_000360.4 (MANE Select); coding-DNA position 661, C replaced by T.
Protein change: p.Arg221Cys; replaces arginine 221 with cysteine.
Molecular consequence: missense variant.
Genome position (GRCh38, 1-based): chr11:2,167,469, G>A on the plus strand (C>T on the coding strand, the complement: TH is on the minus strand). VCF-style: chr11-2167469-G-A. GRCh37 (hg19) VCF-style: chr11-2188699-G-A.
Other names: c.754C>T, p.Arg252Cys (NM_199292.3); c.742C>T, p.Arg248Cys (NM_199293.3); short protein forms R248C, R221C, R252C.
Identifiers: ClinVar variation 1955471 (VCV001955471.2), dbSNP rs1245249248, ClinGen allele CA379127467.

ClinVar aggregate classification (germline): Uncertain significance (1 of 4 stars; one submission).

Conditions:
TH-deficient dopa-responsive dystonia. Also called: Tyrosine Hydroxylase-Deficient Dopa-Responsive Dystonia; Segawa syndrome, autosomal recessive; DYT-TH. Identifiers: Orphanet 101150, MedGen C2673535, MONDO:0011551, OMIM 605407.

Allele frequency attached by ClinVar (database versions not stated): gnomAD 0.00001.
gnomAD v4.1: 7 of 1,563,120 alleles (0.00045%); highest among the groups gnomAD compares: Admixed American, 0.0038%; no homozygotes.

Submission:

Labcorp Genetics (formerly Invitae), Labcorp
Classification: Uncertain significance for TH-deficient dopa-responsive dystonia. Last evaluated: 2021-09-01. Review status: criteria provided, single submitter. Criteria: Invitae Variant Classification Sherloc (09022015). Collection method: clinical testing. Allele origin: germline.
Comment: This sequence change replaces arginine with cysteine at codon 252 of the TH protein (p.Arg252Cys). The arginine residue is highly conserved and there is a large physicochemical difference between arginine and cysteine. This variant is not present in population databases (ExAC no frequency). This variant has not been reported in the literature in individuals affected with TH-related conditions. Algorithms developed to predict the effect of missense changes on protein structure and function are either unavailable or do not agree on the potential impact of this missense change (SIFT: "Deleterious"; PolyPhen-2: "Benign"; Align-GVGD: "Class C45"). In summary, the available evidence is currently insufficient to determine the role of this variant in disease. Therefore, it has been classified as a Variant of Uncertain Significance.